The following is an entry in ClinVar:

NM_000431.4(MVK):c.1162C>T (p.Arg388Ter)

Gene: MVK (mevalonate kinase; plus strand). Cytogenetic location: 12q24.11.
Variant type: single nucleotide variant.
Coding change: c.1162C>T on transcript NM_000431.4 (MANE Select); coding-DNA position 1162, C replaced by T.
Protein change: p.Arg388Ter; replaces arginine 388 with a stop codon.
Molecular consequence: nonsense.
Genome position (GRCh38, 1-based): chr12:109,596,548, C>T. VCF-style: chr12-109596548-C-T. GRCh37 (hg19) VCF-style: chr12-110034353-C-T.
Other names: c.1162C>T (LRG_156t1); c.1162C>T, p.Arg388Ter (NM_001114185.3); c.1006C>T, p.Arg336Ter (NM_001301182.2); short protein forms R388*, R336*.
Identifiers: ClinVar variation 97572 (VCV000097572.45), dbSNP rs104895360, ClinGen allele CA149795.

ClinVar aggregate classification (germline): Pathogenic. Review status: criteria provided, multiple submitters, no conflicts (2 of 4 stars). 9 submissions from 9 submitters: Pathogenic (8). 1 of the submissions does not count toward it. Last evaluated 2025-10-01.

Conditions:
MVK-related disorder. Also called: MVK-related condition; MVK-related disorders. Identifiers: MedGen CN239294.
Mevalonic aciduria (MEVA). Identifiers: Orphanet 29, MedGen C1959626, MONDO:0012481, OMIM 610377.
Porokeratosis 3, disseminated superficial actinic type (POROK3). Also called: POROKERATOSIS 3, MULTIPLE TYPES; POROKERATOSIS 3, MIBELLI TYPE; POROKERATOSIS, DISSEMINATED SUPERFICIAL ACTINIC, 1. Identifiers: MedGen C1867981, MONDO:0008293, OMIM 175900.
Hyperimmunoglobulin D with periodic fever (HIDS). Also called: Hyperimmunoglobulinemia D with periodic fever; HYPERIMMUNOGLOBULINEMIA D AND PERIODIC FEVER SYNDROME; Hyperimmunoglobulinemia D. Identifiers: Orphanet 343, MedGen C0398691, MONDO:0009849, OMIM 260920.

Allele frequency attached by ClinVar (database versions not stated): ExAC 0.00001; gnomAD 0.00001 and 0.00002; gnomAD exomes 0.00001 and 0.00002; TOPMed 0.00002.
gnomAD v4.1: 35 of 1,611,528 alleles (0.0022%); highest among the groups gnomAD compares: Non-Finnish European, 0.0027%; no homozygotes.

Submissions (9):

CeGaT Center for Human Genetics Tuebingen
Classification: Pathogenic. Last evaluated: 2025-10-01. Review status: criteria provided, single submitter. Criteria: CeGaT Center For Human Genetics Tuebingen Variant Classification Criteria Version 2. Collection method: clinical testing. Allele origin: germline. Affected: yes. Observed: 3 variant alleles.
Comment: MVK: PM3:Very Strong, PM2, PVS1:Moderate

Labcorp Genetics (formerly Invitae), Labcorp
Classification: Pathogenic for Mevalonic aciduria; Hyperimmunoglobulin D with periodic fever; Porokeratosis 3, disseminated superficial actinic type. Last evaluated: 2025-09-23. Review status: criteria provided, single submitter. Criteria: Invitae Variant Classification Sherloc (09022015). Collection method: clinical testing. Allele origin: germline.
Comment: This sequence change creates a premature translational stop signal (p.Arg388*) in the MVK gene. While this is not anticipated to result in nonsense mediated decay, it is expected to disrupt the last 9 amino acid(s) of the MVK protein. This variant is present in population databases (rs104895360, gnomAD 0.004%). This premature translational stop signal has been observed in individuals with mevalonate kinase deficiency (PMID: 23146290, 23998246, 27012807). ClinVar contains an entry for this variant (Variation ID: 97572). Experimental studies and prediction algorithms are not available or were not evaluated, and the functional significance of this variant is currently unknown. For these reasons, this variant has been classified as Pathogenic.

ARUP Laboratories, Molecular Genetics and Genomics, ARUP Laboratories
Classification: Pathogenic. Last evaluated: 2025-04-30. Review status: criteria provided, single submitter. Criteria: ARUP Molecular Germline Variant Investigation Process 2024. Collection method: clinical testing. Allele origin: germline.
Comment: The MVK c.1162C>T; p.Arg388Ter variant (rs104895360, ClinVar Variation ID: 97572) is reported both as homozygous and compound heterozygous in individuals affected with MVK-associated disease (Babol-Pokora 2021, Houten 2000, Peciuliene 2016, Platt 2021, Prasad 2012, Scott 2013). This variant is only observed on three allele in the Genome Aggregation Database (v2.1.1), indicating it is not a common polymorphism. This variant results in a premature termination codon in the last exon of the MVK gene. While this may not lead to nonsense-mediated decay, it is expected to create a truncated MVK protein. Based on available information, this variant is considered to be pathogenic. References: Babol-Pokora K et al. Molecular Genetics Diversity of Primary Hemophagocytic Lymphohistiocytosis among Polish Pediatric Patients. Arch Immunol Ther Exp (Warsz). 2021 Oct 22;69(1):31. PMID: 34677667. Houten SM et al. Biochemical and genetic aspects of mevalonate kinase and its deficiency. Biochim Biophys Acta. 2000 Dec 15;1529(1-3):19-32. PMID: 11111075. Peciuliene S et al. Perinatal manifestation of mevalonate kinase deficiency and efficacy of anakinra. Pediatr Rheumatol Online J. 2016 Mar 25;14(1):19. PMID: 27012807. Platt CD et al. Efficacy and economics of targeted panel versus whole-exome sequencing in 878 patients with suspected primary immunodeficiency. J Allergy Clin Immunol. 2021 Feb;147(2):723-726. PMID: 32888943. Prasad C et al. Severe phenotypic spectrum of mevalonate kinase deficiency with minimal mevalonic aciduria. Mol Genet Metab. 2012 Dec;107(4):756-9. PMID: 23146290. Scott DR et al. Recurrent fevers and failure to thrive in an infant. Allergy Asthma Proc. 2013 Sep-Oct;34(5):473-9. PMID: 23998246.

Fulgent Genetics
Classification: Pathogenic for Porokeratosis 3, disseminated superficial actinic type; Hyperimmunoglobulin D with periodic fever; Mevalonic aciduria. Last evaluated: 2024-04-26. Review status: criteria provided, single submitter. Criteria: ACMG Guidelines, 2015. Collection method: clinical testing. Allele origin: germline.

PreventionGenetics, part of Exact Sciences
Classification: Pathogenic for MVK-related condition. Last evaluated: 2023-06-09. Review status: criteria provided, single submitter. Criteria: ACMG Guidelines, 2015. Collection method: clinical testing. Allele origin: germline.
Comment: The MVK c.1162C>T variant is predicted to result in premature protein termination (p.Arg388*). This variant has been reported to be causative for mevalonate kinase deficiency and Hyper IgD syndrome (Houten et al. 2000. PubMed ID: 11111075; Peciuliene et al. 2016. PubMed ID: 27012807; Prasad et al. 2012. PubMed ID: 23146290). This variant is reported in 0.0026% of alleles in individuals of European (Non-Finnish) descent in gnomAD. Nonsense variants in MVK are expected to be pathogenic. This variant is interpreted as pathogenic.

Blueprint Genetics
Classification: Pathogenic for MVK-related disorders. Last evaluated: 2022-05-09. Review status: criteria provided, single submitter. Criteria: ACMG Guidelines, 2015. Collection method: clinical testing. Allele origin: germline. Affected: yes. Observed: 5 variant alleles.

GeneDx
Classification: Pathogenic. Last evaluated: 2017-10-24. Review status: criteria provided, single submitter. Criteria: GeneDx Variant Classification (06012015). Collection method: clinical testing. Allele origin: germline. Affected: yes.
Comment: The R388X nonsense mutation in the MVK gene has been reported previously in association with MKD disorders (Houten et al., 2000; Prasad et al., 2012). It was not observed in approximately 6500 individuals of European and African American ancestry in the NHLBI Exome Sequencing Project, indicating it is not a common benign variant in these populations. R388X is predicted to cause loss of normal protein function through production of a truncated protein that is missing the last 9 amino acids of the normal MVK protein.

Kasturba Medical College, Manipal, Kasturba Medical College, Manipal, Manipal Academy of Higher Education, Manipal, India
Classification: Pathogenic for Hyperimmunoglobulin D with periodic fever. Review status: criteria provided, single submitter. Criteria: ACMG Guidelines, 2015. Collection method: clinical testing. Allele origin: germline. Affected: yes.

Unité médicale des maladies autoinflammatoires, CHRU Montpellier
No classification provided. Condition: Hyperimmunoglobulin D with periodic fever. Review status: no classification provided. Collection method: not provided. Allele origin: unknown. Not counted in ClinVar's aggregate classification.
Comment: also involved in OMIM 25117

Literature cited by the submitters: PubMed 23146290 (cited by Labcorp Genetics (formerly Invitae), Labcorp); PubMed 23998246 (cited by Labcorp Genetics (formerly Invitae), Labcorp); PubMed 27012807 (cited by Labcorp Genetics (formerly Invitae), Labcorp).